The following is an entry in ClinVar:

ClinVar aggregate classification (germline): Uncertain significance (1 of 4 stars; one submission).

Submission:

Ambry Genetics
Classification: Uncertain significance. Last evaluated: 2021-06-26. Review status: criteria provided, single submitter. Criteria: Ambry Variant Classification Scheme 2023. Collection method: clinical testing. Allele origin: germline.
Comment: The p.M1246K variant (also known as c.3737T>A), located in coding exon 17 of the NPAT gene, results from a T to A substitution at nucleotide position 3737. The methionine at codon 1246 is replaced by lysine, an amino acid with similar properties. This amino acid position is conserved. In addition, this alteration is predicted to be tolerated by in silico analysis. Since supporting evidence is limited at this time, the clinical significance of this alteration remains unclear.

NM_002519.3(NPAT):c.3737T>A (p.Met1246Lys)

Gene: NPAT (nuclear protein, coactivator of histone transcription; minus strand). Cytogenetic location: 11q22.3.
Variant type: single nucleotide variant.
Coding change: c.3737T>A on transcript NM_002519.3 (MANE Select); coding-DNA position 3737, T replaced by A.
Protein change: p.Met1246Lys; replaces methionine 1246 with lysine.
Molecular consequence: missense variant.
Genome position (GRCh38, 1-based): chr11:108,161,349, A>T on the plus strand (T>A on the coding strand, the complement: NPAT is on the minus strand). VCF-style: chr11-108161349-A-T. GRCh37 (hg19) VCF-style: chr11-108032076-A-T.
Other names: c.3758T>A, p.Met1253Lys (NM_001321307.1); short protein forms M1246K, M1253K.
Identifiers: ClinVar variation 1734435 (VCV001734435.2), dbSNP rs1422429237, ClinGen allele CA382510160.